The following is an entry in ClinVar:

NM_001378452.1(ITPR1):c.4421C>T (p.Thr1474Ile)

Gene: ITPR1 (inositol 1,4,5-trisphosphate receptor type 1; plus strand). Cytogenetic location: 3p26.1.
Variant type: single nucleotide variant.
Coding change: c.4421C>T on transcript NM_001378452.1 (MANE Select); coding-DNA position 4421, C replaced by T.
Protein change: p.Thr1474Ile; replaces threonine 1474 with isoleucine.
Molecular consequence: missense variant.
Genome position (GRCh38, 1-based): chr3:4,699,826, C>T. VCF-style: chr3-4699826-C-T. GRCh37 (hg19) VCF-style: chr3-4741510-C-T.
Other names: c.4394C>T, p.Thr1465Ile (NM_001099952.4); c.4376C>T, p.Thr1459Ile (NM_001168272.2); c.4349C>T, p.Thr1450Ile (NM_002222.7); short protein forms T1450I, T1459I, T1465I, T1474I.
Identifiers: ClinVar variation 804937 (VCV000804937.34), dbSNP rs188558398, ClinGen allele CA2231990.
Genomic context (GRCh38, chr3:4,699,826, plus strand): 5'-TGGTGTAGGTTTTGGTGTAATGCTTAACATACCCACTTGTCTTCCAGGCCTGTAACAACA[C>T]TAGTGACAGGAAACATGCAGACTCGATTTTGGAGAAGTATGTCACCGAAATCGTCATGAG-3'
Protein context (NP_001365381.1, residues 1464-1484): LVDICRACNN[Thr1474Ile]SDRKHADSIL

ClinVar aggregate classification (germline): Conflicting classifications of pathogenicity. Review status: criteria provided, conflicting classifications (1 of 4 stars). 11 submissions from 11 submitters: Uncertain significance (5); Benign (1); Likely benign (3). 2 of the submissions do not count toward it. Last evaluated 2026-05-14.

Conditions:
Intellectual disability. Also called: Intellectual developmental disorder; Intellectual functioning disability; intellectual disabilities. Identifiers: MedGen C3714756, MeSH D008607, MONDO:0001071, HP:0001249.
Autosomal dominant cerebellar ataxia. Also called: Spinocerebellar Ataxia, Dominant. Identifiers: Orphanet 99, MedGen C4087347, MONDO:0020380.
Spinocerebellar ataxia type 15/16 (SCA15). Also called: Spinocerebellar Ataxia Type 15. Identifiers: Orphanet 98769, MedGen C1847725, MONDO:0011694, OMIM 606658.
ITPR1-related disorder. Also called: ITPR1-related condition.
Inborn genetic diseases. Identifiers: MedGen C0950123, MeSH D030342.

Allele frequency attached by ClinVar (database versions not stated): 1000 Genomes Project 30x 0.00016; 1000 Genomes Project 0.00020; gnomAD 0.00046 and 0.00048; TOPMed 0.00048; gnomAD exomes 0.00050 and 0.00075; ExAC 0.00058; ESP Exome Variant Server 0.00058.
gnomAD v4.1: 1,158 of 1,613,808 alleles (0.072%); highest among the groups gnomAD compares: Non-Finnish European, 0.092%; no homozygotes.

Submissions (11):

Ambry Genetics
Classification: Uncertain significance for Inborn genetic diseases. Last evaluated: 2026-05-14. Review status: criteria provided, single submitter. Criteria: Ambry Variant Classification Scheme 2023. Collection method: clinical testing. Allele origin: germline.
Comment: The c.4349C>T (p.T1450I) alteration is located in exon 34 (coding exon 32) of the ITPR1 gene. This alteration results from a C to T substitution at nucleotide position 4349, causing the threonine (T) at amino acid position 1450 to be replaced by an isoleucine (I). Based on data from gnomAD, the T allele has an overall frequency of 0.05% (139/280636) total alleles studied. The highest observed frequency was 0.095% (122/128444) of European (non-Finnish) alleles. Based on insufficient or conflicting evidence, the clinical significance of this alteration remains unclear.

Labcorp Genetics (formerly Invitae), Labcorp
Classification: Likely benign. Last evaluated: 2025-12-13. Review status: criteria provided, single submitter. Criteria: Invitae Variant Classification Sherloc (09022015). Collection method: clinical testing. Allele origin: germline.

CeGaT Center for Human Genetics Tuebingen
Classification: Uncertain significance. Last evaluated: 2025-12-01. Review status: criteria provided, single submitter. Criteria: CeGaT Center For Human Genetics Tuebingen Variant Classification Criteria Version 2. Collection method: clinical testing. Allele origin: germline. Affected: yes. Observed: 2 variant alleles.

Women's Health and Genetics/Laboratory Corporation of America, LabCorp
Classification: Uncertain significance. Last evaluated: 2024-11-29. Review status: criteria provided, single submitter. Criteria: LabCorp Variant Classification Summary - May 2015. Collection method: clinical testing. Allele origin: germline.
Comment: Variant summary: ITPR1 c.4349C>T (p.Thr1450Ile) results in a non-conservative amino acid change in the encoded protein sequence. Three of five in-silico tools predict a damaging effect of the variant on protein function. The variant allele was found at a frequency of 0.0005 in 249244 control chromosomes. This frequency is not significantly higher than estimated for a pathogenic variant in ITPR1 causing Spinocerebellar Ataxia 29, allowing no conclusion about variant significance. To our knowledge, no occurrence of c.4349C>T in individuals affected with Spinocerebellar Ataxia 29 and no experimental evidence demonstrating its impact on protein function have been reported. ClinVar contains an entry for this variant (Variation ID: 804937). Based on the evidence outlined above, the variant was classified as uncertain significance.

Blueprint Genetics
Classification: Likely benign. Last evaluated: 2024-11-04. Review status: criteria provided, single submitter. Criteria: ACMG Guidelines, 2015. Collection method: clinical testing. Allele origin: germline.

GeneDx
Classification: Uncertain significance. Last evaluated: 2023-11-17. Review status: criteria provided, single submitter. Criteria: GeneDx Variant Classification Process June 2021. Collection method: clinical testing. Allele origin: germline. Affected: yes.
Comment: Identified in a patient with mitochondrial disease with another variant in ITPR1, phase unknown, who is also reported to have a variant in a gene that causes MELAS, which was thought to be a closer phenotypic fit (PMID: 32980267); In silico analysis supports that this missense variant has a deleterious effect on protein structure/function; This variant is associated with the following publications: (PMID: 32980267)

Athena Diagnostics
Classification: Benign. Last evaluated: 2019-02-25. Review status: criteria provided, single submitter. Criteria: Athena Diagnostics Criteria. Collection method: clinical testing. Allele origin: germline.

Institute of Human Genetics, University of Leipzig Medical Center
Classification: Uncertain significance for Spinocerebellar ataxia type 15/16. Last evaluated: 2019-01-01. Review status: criteria provided, single submitter. Criteria: ACMG Guidelines, 2015. Collection method: clinical testing. Allele origin: unknown. Affected: yes.

Illumina Laboratory Services, Illumina
Classification: Likely benign for Spinocerebellar Ataxia, Dominant. Last evaluated: 2018-01-12. Review status: criteria provided, single submitter. Criteria: ICSL Variant Classification Criteria 13 December 2019. Collection method: clinical testing. Allele origin: germline.
Comment: This variant was observed in the ICSL laboratory as part of a predisposition screen in an ostensibly healthy population. It had not been previously curated by ICSL or reported in the Human Gene Mutation Database (HGMD: prior to June 1st, 2018), and was therefore a candidate for classification through an automated scoring system. Utilizing variant allele frequency, disease prevalence and penetrance estimates, and inheritance mode, an automated score was calculated to assess if this variant is too frequent to cause the disease. Based on the score and internal cut-off values, a variant classified as likely benign is not then subjected to further curation. The score for this variant resulted in a classification of likely benign for this disease.

PreventionGenetics, part of Exact Sciences
Classification: Likely benign for ITPR1-related condition. Last evaluated: 2022-05-19. Review status: no assertion criteria provided. Collection method: clinical testing. Allele origin: germline. Not counted in ClinVar's aggregate classification.
Comment: This variant is classified as likely benign based on ACMG/AMP sequence variant interpretation guidelines (Richards et al. 2015 PMID: 25741868, with internal and published modifications).

Centre de Biologie Pathologie Génétique, Centre Hospitalier Universitaire de Lille
Classification: Likely benign for Intellectual disability. Last evaluated: 2019-01-01. Review status: no assertion criteria provided. Collection method: clinical testing. Allele origin: inherited. Affected: yes. Not counted in ClinVar's aggregate classification.